The following is an entry in ClinVar:

NM_024675.4(PALB2):c.31del (p.Cys11fs)

Gene: PALB2 (partner and localizer of BRCA2; minus strand). Cytogenetic location: 16p12.2.
Variant type: Deletion.
Coding change: c.31del on transcript NM_024675.4 (MANE Select); coding-DNA position 31, one base deleted (T; older notation c.31delT).
Protein change: p.Cys11fs; shifts the reading frame from cysteine 11.
Molecular consequence: frameshift variant.
Genome position (GRCh38, 1-based): chr16:23,641,127, A deleted on the plus strand (T on the coding strand, the reverse complement: PALB2 is on the minus strand). VCF-style (leftmost placement, unchanged base first): chr16-23641126-CA-C. GRCh37 (hg19) VCF-style: chr16-23652447-CA-C.
Other names: c.31delT, p.Cys11Valfs (NM_001407296.1, NM_001407297.1, NM_001407298.1 and 5 more transcripts); c.-1713delT (NM_001407304.1, NM_001407310.1); c.-989delT (NM_001407305.1, NM_001407307.1, NM_001407309.1 and 1 more transcripts); c.-838delT (NM_001407306.1, NM_001407308.1); c.-122delT (NM_001407312.1, NM_001407313.1); short protein forms C11fs.
Identifiers: ClinVar variation 1728791 (VCV001728791.4), dbSNP rs2506572115, ClinGen allele CA2580091251.

ClinVar aggregate classification (germline): Pathogenic. Review status: criteria provided, multiple submitters, no conflicts (2 of 4 stars). 2 submissions from 2 submitters: Pathogenic (2). Last evaluated 2024-11-07.

Conditions:
Hereditary cancer-predisposing syndrome. Also called: Tumor predisposition; Neoplastic Syndromes, Hereditary; Hereditary Cancer Syndrome; Hereditary neoplastic syndrome. Identifiers: Orphanet 140162, MedGen C0027672, MeSH D009386, MONDO:0015356.
Familial cancer of breast. Also called: Hereditary breast cancer; BREAST CANCER, FAMILIAL; hereditary breast carcinoma. Identifiers: Orphanet 227535, MedGen C0346153, MONDO:0016419, OMIM 114480. Disease mechanism: loss of function.

Submissions (2):

Ambry Genetics
Classification: Pathogenic for Hereditary cancer-predisposing syndrome. Last evaluated: 2024-11-07. Review status: criteria provided, single submitter. Criteria: Ambry Variant Classification Scheme 2023. Collection method: clinical testing. Allele origin: germline.
Comment: The c.31delT pathogenic mutation, located in coding exon 1 of the PALB2 gene, results from a deletion of one nucleotide at nucleotide position 31, causing a translational frameshift with a predicted alternate stop codon (p.C11Vfs*7). This variant is considered to be rare based on population cohorts in the Genome Aggregation Database (gnomAD). This alteration is expected to result in loss of function by premature protein truncation or nonsense-mediated mRNA decay. As such, this alteration is interpreted as a disease-causing mutation.

Myriad Genetics, Inc.
Classification: Pathogenic for Familial cancer of breast. Last evaluated: 2023-09-05. Review status: criteria provided, single submitter. Criteria: Myriad Autosomal Dominant, Autosomal Recessive and X-Linked Classification Criteria (2023). Collection method: clinical testing. Allele origin: unknown.
Comment: This variant is considered pathogenic. This variant creates a frameshift predicted to result in premature protein truncation.

Literature cited by the submitters: PubMed 19369211 (cited by Ambry Genetics); PubMed 28319063 (cited by Ambry Genetics); PubMed 30289697 (cited by Ambry Genetics).